The following is an entry in ClinVar:

ClinVar aggregate classification (germline): Likely benign (1 of 4 stars; one submission).

Allele frequency attached by ClinVar (database versions not stated): 1000 Genomes Project 0.00160; TOPMed 0.00173; 1000 Genomes Project 30x 0.00156; gnomAD 0.00159.
gnomAD v4.1: 256 of 152,312 alleles (0.17%); highest among the groups gnomAD compares: Non-Finnish European, 0.27%; 3 homozygotes.

Submission:

CeGaT Center for Human Genetics Tuebingen
Classification: Likely benign. Last evaluated: 2023-05-01. Review status: criteria provided, single submitter. Criteria: CeGaT Center For Human Genetics Tuebingen Variant Classification Criteria Version 2. Collection method: clinical testing. Allele origin: germline. Affected: yes. Observed: 4 variant alleles.
Comment: CEP41: BS2

NM_018718.3(CEP41):c.34-5949C>A

Gene: CEP41 (centrosomal protein 41; minus strand). Cytogenetic location: 7q32.2.
Variant type: single nucleotide variant.
Coding change: c.34-5949C>A on transcript NM_018718.3 (MANE Select); 5949 bases into the intron before coding-DNA position 34, C replaced by A.
Molecular consequence: intron variant.
Genome position (GRCh38, 1-based): chr7:130,433,967, G>T on the plus strand (C>A on the coding strand, the complement: CEP41 is on the minus strand). VCF-style: chr7-130433967-G-T. GRCh37 (hg19) VCF-style: chr7-130073808-G-T.
Other names: c.34-5949C>A (NM_001257159.2, NM_001257158.2, NM_001257160.2).
Identifiers: ClinVar variation 2571298 (VCV002571298.27), dbSNP rs185865316, ClinGen allele CA166874567.